The following is an entry in ClinVar:

NM_005546.4(ITK):c.1455C>T (p.Ala485=)

Gene: ITK (IL2 inducible T cell kinase; plus strand). Cytogenetic location: 5q33.3.
Variant type: single nucleotide variant.
Coding change: c.1455C>T on transcript NM_005546.4 (MANE Select); coding-DNA position 1455, C replaced by T.
Protein change: p.Ala485=; no amino-acid change (alanine 485 retained).
Molecular consequence: synonymous variant.
Genome position (GRCh38, 1-based): chr5:157,245,731, C>T. VCF-style: chr5-157245731-C-T. GRCh37 (hg19) VCF-style: chr5-156672741-C-T.
Identifiers: ClinVar variation 352474 (VCV000352474.36), dbSNP rs201568204, ClinGen allele CA3533099.

ClinVar aggregate classification (germline): Conflicting classifications of pathogenicity. Review status: criteria provided, conflicting classifications (1 of 4 stars). 8 submissions from 8 submitters: Uncertain significance (2); Likely benign (3). 3 of the submissions do not count toward it. Last evaluated 2026-02-01.

Conditions:
ITK-related disorder. Also called: ITK-related condition.
Autoinflammatory syndrome. Identifiers: Orphanet 93665, MedGen C3890737, MONDO:0019751.
Lymphoproliferative syndrome 1 (LPFS1). Identifiers: Orphanet 238505, Orphanet 538963, MedGen C3552634, MONDO:0013081, OMIM 613011.

Allele frequency attached by ClinVar (database versions not stated): 1000 Genomes Project 30x 0.00016; 1000 Genomes Project 0.00020; ESP Exome Variant Server 0.00038; gnomAD 0.00038 and 0.00041; gnomAD exomes 0.00043; TOPMed 0.00043; ExAC 0.00048.
gnomAD v4.1: 1,119 of 1,614,056 alleles (0.069%); highest among the groups gnomAD compares: Non-Finnish European, 0.09%; 3 homozygotes.

Submissions (8):

Labcorp Genetics (formerly Invitae), Labcorp
Classification: Likely benign for Lymphoproliferative syndrome 1. Last evaluated: 2026-02-01. Review status: criteria provided, single submitter. Criteria: Invitae Variant Classification Sherloc (09022015). Collection method: clinical testing. Allele origin: germline.

Blueprint Genetics
Classification: Likely benign. Last evaluated: 2024-11-08. Review status: criteria provided, single submitter. Criteria: ACMG Guidelines, 2015. Collection method: clinical testing. Allele origin: germline.

CeGaT Center for Human Genetics Tuebingen
Classification: Likely benign. Last evaluated: 2024-10-01. Review status: criteria provided, single submitter. Criteria: CeGaT Center For Human Genetics Tuebingen Variant Classification Criteria Version 2. Collection method: clinical testing. Allele origin: germline. Affected: yes. Observed: 1 variant allele.
Comment: ITK: BP4, BP7

Illumina Laboratory Services, Illumina
Classification: Uncertain significance for Lymphoproliferative syndrome 1. Last evaluated: 2018-01-13. Review status: criteria provided, single submitter. Criteria: ICSL Variant Classification Criteria 13 December 2019. Collection method: clinical testing. Allele origin: germline.

Genome Diagnostics Laboratory, The Hospital for Sick Children
Classification: Uncertain significance for Autoinflammatory syndrome. Last evaluated: 2017-07-27. Review status: criteria provided, single submitter. Criteria: ACMG Guidelines, 2015. Collection method: clinical testing. Allele origin: germline. Affected: yes.

PreventionGenetics, part of Exact Sciences
Classification: Likely benign for ITK-related condition. Last evaluated: 2024-04-08. Review status: no assertion criteria provided. Collection method: clinical testing. Allele origin: germline. Not counted in ClinVar's aggregate classification.
Comment: This variant is classified as likely benign based on ACMG/AMP sequence variant interpretation guidelines (Richards et al. 2015 PMID: 25741868, with internal and published modifications).

Clinical Genetics DNA and cytogenetics Diagnostics Lab, Erasmus MC, Erasmus Medical Center
Classification: Likely benign. Review status: no assertion criteria provided. Collection method: clinical testing. Allele origin: germline. Affected: yes. Study: VKGL Data-share Consensus. Not counted in ClinVar's aggregate classification.

Genome Diagnostics Laboratory, University Medical Center Utrecht
Classification: Likely benign. Review status: no assertion criteria provided. Collection method: clinical testing. Allele origin: germline. Affected: yes. Study: VKGL Data-share Consensus. Not counted in ClinVar's aggregate classification.